The following is an entry in ClinVar:

NM_015204.3(THSD7A):c.2407A>G (p.Ile803Val)

Gene: THSD7A (thrombospondin type 1 domain containing 7A; minus strand). Cytogenetic location: 7p21.3.
Variant type: single nucleotide variant.
Coding change: c.2407A>G on transcript NM_015204.3 (MANE Select); coding-DNA position 2407, A replaced by G.
Protein change: p.Ile803Val; replaces isoleucine 803 with valine.
Molecular consequence: missense variant.
Genome position (GRCh38, 1-based): chr7:11,462,105, T>C on the plus strand (A>G on the coding strand, the complement: THSD7A is on the minus strand). VCF-style: chr7-11462105-T-C. GRCh37 (hg19) VCF-style: chr7-11501732-T-C.
Other names: short protein forms I803V.
Identifiers: ClinVar variation 2362398 (VCV002362398.4), dbSNP rs139941041, ClinGen allele CA4164155.

ClinVar aggregate classification (germline): Uncertain significance. Review status: criteria provided, single submitter (1 of 4 stars). 2 submissions from 2 submitters: Uncertain significance (1). 1 of the submissions does not count toward it. Last evaluated 2021-09-15.

Conditions:
THSD7A-related disorder. Also called: THSD7A-related condition.

Allele frequency attached by ClinVar (database versions not stated): gnomAD exomes 0.00009; ExAC 0.00026; gnomAD 0.00098; 1000 Genomes Project 0.00100; 1000 Genomes Project 30x 0.00109; ESP Exome Variant Server 0.00114; TOPMed 0.00118.
gnomAD v4.1: 288 of 1,613,812 alleles (0.018%); highest among the groups gnomAD compares: African/African-American, 0.33%; no homozygotes.

Submissions (2):

Ambry Genetics
Classification: Uncertain significance. Last evaluated: 2021-09-15. Review status: criteria provided, single submitter. Criteria: Ambry Variant Classification Scheme 2023. Collection method: clinical testing. Allele origin: germline.

PreventionGenetics, part of Exact Sciences
Classification: Likely benign for THSD7A-related condition. Last evaluated: 2023-03-28. Review status: no assertion criteria provided. Collection method: clinical testing. Allele origin: germline. Not counted in ClinVar's aggregate classification.
Comment: This variant is classified as likely benign based on ACMG/AMP sequence variant interpretation guidelines (Richards et al. 2015 PMID: 25741868, with internal and published modifications).